The following is an entry in ClinVar:

ClinVar aggregate classification (germline): Benign/Likely benign. Review status: criteria provided, multiple submitters, no conflicts (2 of 4 stars). 3 submissions from 3 submitters: Benign (1); Likely benign (1). 1 of the submissions does not count toward it. Last evaluated 2026-08-01.

Conditions:
CDSN-related disorder. Also called: CDSN-related condition.

Allele frequency attached by ClinVar (database versions not stated): gnomAD exomes 0.00089; ExAC 0.00121; ESP Exome Variant Server 0.00266; gnomAD 0.00338 and 0.00359; TOPMed 0.00399; 1000 Genomes Project 0.00519; 1000 Genomes Project 30x 0.00578.
gnomAD v4.1: 1,182 of 1,577,794 alleles (0.075%); highest among the groups gnomAD compares: African/African-American, 1.2%; 7 homozygotes.

Submissions (3):

CeGaT Center for Human Genetics Tuebingen
Classification: Likely benign. Last evaluated: 2026-08-01. Review status: criteria provided, single submitter. Criteria: CeGaT Center For Human Genetics Tuebingen Variant Classification Criteria Version 2. Collection method: clinical testing. Allele origin: germline. Affected: yes. Observed: 2 variant alleles.
Comment: CDSN: BP4, BS1

Labcorp Genetics (formerly Invitae), Labcorp
Classification: Benign. Last evaluated: 2026-01-07. Review status: criteria provided, single submitter. Criteria: Invitae Variant Classification Sherloc (09022015). Collection method: clinical testing. Allele origin: germline.

PreventionGenetics, part of Exact Sciences
Classification: Benign for CDSN-related condition. Last evaluated: 2024-08-12. Review status: no assertion criteria provided. Collection method: clinical testing. Allele origin: germline. Not counted in ClinVar's aggregate classification.
Comment: This variant is classified as benign based on ACMG/AMP sequence variant interpretation guidelines (Richards et al. 2015 PMID: 25741868, with internal and published modifications).

NM_001264.5(CDSN):c.256G>A (p.Gly86Ser)

Genes: CDSN (corneodesmosin; minus strand), PSORS1C1 (psoriasis susceptibility 1 candidate 1; plus strand). Cytogenetic location: 6p21.33.
Variant type: single nucleotide variant.
Coding change: c.256G>A on transcript NM_001264.5 (MANE Select); coding-DNA position 256, G replaced by A.
Protein change: p.Gly86Ser; replaces glycine 86 with serine.
Molecular consequence: missense variant. On other transcripts: intron variant (1).
Genome position (GRCh38, 1-based): chr6:31,117,359, C>T on the plus strand (G>A on the coding strand, the complement: CDSN is on the minus strand). VCF-style: chr6-31117359-C-T. GRCh37 (hg19) VCF-style: chr6-31085136-C-T.
Other names: c.-229+2468C>T (NM_014068.3); short protein forms G86S.
Identifiers: ClinVar variation 711440 (VCV000711440.32), dbSNP rs75843924, ClinGen allele CA3708530.